The following is an entry in ClinVar:

NM_000143.4(FH):c.1425A>G (p.Ala475=)

Gene: FH (fumarate hydratase; minus strand). Cytogenetic location: 1q43.
Variant type: single nucleotide variant.
Coding change: c.1425A>G on transcript NM_000143.4 (MANE Select); coding-DNA position 1425, A replaced by G.
Protein change: p.Ala475=; no amino-acid change (alanine 475 retained).
Molecular consequence: synonymous variant.
Genome position (GRCh38, 1-based): chr1:241,497,936, T>C on the plus strand (A>G on the coding strand, the complement: FH is on the minus strand). VCF-style: chr1-241497936-T-C. GRCh37 (hg19) VCF-style: chr1-241661236-T-C.
Identifiers: ClinVar variation 2587057 (VCV002587057.6), dbSNP rs2527308540, ClinGen allele CA424072840.

ClinVar aggregate classification (germline): Benign/Likely benign. Review status: criteria provided, multiple submitters, no conflicts (2 of 4 stars). 3 submissions from 3 submitters: Benign (1); Likely benign (2). Last evaluated 2024-10-22.

Conditions:
Hereditary cancer-predisposing syndrome. Also called: Hereditary Cancer Syndrome; Hereditary neoplastic syndrome; Neoplastic Syndromes, Hereditary; Tumor predisposition. Identifiers: Orphanet 140162, MedGen C0027672, MeSH D009386, MONDO:0015356.
Hereditary leiomyomatosis and renal cell cancer. Also called: MULTIPLE CUTANEOUS AND UTERINE LEIOMYOMATA 1, WITH OR WITHOUT RENAL CELL CARCINOMA; LEIOMYOMA, MULTIPLE CUTANEOUS; Multiple cutaneous leiomyomas; Reed syndrome; Multiple cutaneous and uterine leiomyomatosis; Cutaneous leiomyomata with uterine leiomyomata. Identifiers: Orphanet 523, MedGen C1708350, MONDO:0007888, OMIM 150800, HP:0007437. Disease mechanism: loss of function.

Allele frequency attached by ClinVar (database versions not stated): gnomAD exomes below 0.00001.

Submissions (3):

Myriad Genetics, Inc.
Classification: Benign for Hereditary leiomyomatosis and renal cell cancer. Last evaluated: 2024-10-22. Review status: criteria provided, single submitter. Criteria: Myriad Autosomal Dominant, Autosomal Recessive and X-Linked Classification Criteria (2023). Collection method: clinical testing. Allele origin: unknown.
Comment: This variant is considered benign. This variant is a silent/synonymous amino acid change and it is not expected to impact splicing.

Ambry Genetics
Classification: Likely benign for Hereditary cancer-predisposing syndrome. Last evaluated: 2023-07-23. Review status: criteria provided, single submitter. Criteria: Ambry Variant Classification Scheme 2023. Collection method: clinical testing. Allele origin: germline.

Labcorp Genetics (formerly Invitae), Labcorp
Classification: Likely benign. Last evaluated: 2023-03-03. Review status: criteria provided, single submitter. Criteria: Invitae Variant Classification Sherloc (09022015). Collection method: clinical testing. Allele origin: germline.